The following is an entry in ClinVar:

NM_033409.4(SLC52A3):c.94A>G (p.Met32Val)

Gene: SLC52A3 (solute carrier family 52 member 3; minus strand). Cytogenetic location: 20p13.
Variant type: single nucleotide variant.
Coding change: c.94A>G on transcript NM_033409.4 (MANE Select); coding-DNA position 94, A replaced by G.
Protein change: p.Met32Val; replaces methionine 32 with valine.
Molecular consequence: missense variant.
Genome position (GRCh38, 1-based): chr20:765,681, T>C on the plus strand (A>G on the coding strand, the complement: SLC52A3 is on the minus strand). VCF-style: chr20-765681-T-C. GRCh37 (hg19) VCF-style: chr20-746325-T-C.
Other names: c.94A>G, p.Met32Val (NM_001370085.1, NM_001370086.1); short protein forms M32V.
Identifiers: ClinVar variation 1506674 (VCV001506674.5), dbSNP rs751913684, ClinGen allele CA407964555.
Genomic context (GRCh38, chr20:765,681, plus strand): 5'-TGGCCAGCTGGATGACCACCGTGAGGTAGGAGGGCAGGTACCAGCCCTCGGGCAGCTCCA[T>C]CACCAGCAGGGGCAGCTCTACCCAGAGCCCATTGATGGTCACCCAGGAGCCCATTCCGAA-3'
Protein context (NP_212134.3, residues 22-42): GLWVELPLLV[Met32Val]ELPEGWYLPS

ClinVar aggregate classification (germline): Uncertain significance (1 of 4 stars; one submission).

Conditions:
Brown-Vialetto-van Laere syndrome 1. Also called: BROWN-VIALETTO-VAN LAERE SYNDROME 1, MILD; BULBAR PALSY, PROGRESSIVE, WITH SENSORINEURAL DEAFNESS; PONTOBULBAR PALSY WITH DEAFNESS. Identifiers: Orphanet 572550, Orphanet 97229, MedGen C0796274, MONDO:0024537, OMIM 211530.

gnomAD v4.1: 1 of 1,613,264 alleles (0.000062%); highest among the groups gnomAD compares: Admixed American, 0.0017%; no homozygotes.

Submission:

Labcorp Genetics (formerly Invitae), Labcorp
Classification: Uncertain significance for Brown-Vialetto-van Laere syndrome 1. Last evaluated: 2021-09-01. Review status: criteria provided, single submitter. Criteria: Invitae Variant Classification Sherloc (09022015). Collection method: clinical testing. Allele origin: germline.
Comment: This sequence change replaces methionine with valine at codon 32 of the SLC52A3 protein (p.Met32Val). The methionine residue is weakly conserved and there is a small physicochemical difference between methionine and valine. This variant is not present in population databases (ExAC no frequency). This variant has not been reported in the literature in individuals affected with SLC52A3-related conditions. Algorithms developed to predict the effect of missense changes on protein structure and function (SIFT, PolyPhen-2, Align-GVGD) all suggest that this variant is likely to be tolerated. In summary, the available evidence is currently insufficient to determine the role of this variant in disease. Therefore, it has been classified as a Variant of Uncertain Significance.